The following is an entry in ClinVar:

NM_017934.7(PHIP):c.3948C>T (p.Tyr1316=)

Genes: IRAK1BP1 (interleukin 1 receptor associated kinase 1 binding protein 1; plus strand), PHIP (PHIP subunit of CUL4-Ring ligase complex; minus strand). Cytogenetic location: 6q14.1.
Variant type: single nucleotide variant.
Coding change: c.3948C>T on transcript NM_017934.7 (MANE Select); coding-DNA position 3948, C replaced by T.
Protein change: p.Tyr1316=; no amino-acid change (tyrosine 1316 retained).
Molecular consequence: synonymous variant.
Genome position (GRCh38, 1-based): chr6:78,954,919, G>A on the plus strand (C>T on the coding strand, the complement: PHIP is on the minus strand). VCF-style: chr6-78954919-G-A. GRCh37 (hg19) VCF-style: chr6-79664636-G-A.
Identifiers: ClinVar variation 4987949 (VCV004987949.1).

ClinVar aggregate classification (germline): Likely benign (1 of 4 stars; one submission).

Conditions:
PHIP-related disorder. Also called: PHIP-related disorders; PHIP-related condition.

gnomAD v4.1: 23 of 1,582,914 alleles (0.0015%); highest among the groups gnomAD compares: South Asian, 0.0023%; no homozygotes.

Submission:

PreventionGenetics, part of Exact Sciences
Classification: Likely benign for PHIP-related condition. Last evaluated: 2025-01-30. Review status: criteria provided, single submitter. Criteria: ACMG Guidelines, 2015. Collection method: clinical testing. Allele origin: germline.
Comment: This variant is classified as likely benign based on ACMG/AMP sequence variant interpretation guidelines (Richards et al. 2015 PMID: 25741868, with internal and published modifications).